The following is an entry in ClinVar:

ClinVar aggregate classification (germline): Pathogenic (1 of 4 stars; one submission).

Conditions:
Hyperammonemia, type III (NAGSD). Also called: Hyperammonemia due to N-acetylglutamate synthase deficiency. Identifiers: Orphanet 927, MedGen C0268543, MONDO:0009377, OMIM 237310.

Submission:

Labcorp Genetics (formerly Invitae), Labcorp
Classification: Pathogenic for Hyperammonemia, type III. Last evaluated: 2023-06-12. Review status: criteria provided, single submitter. Criteria: Invitae Variant Classification Sherloc (09022015). Collection method: clinical testing. Allele origin: germline.
Comment: This sequence change creates a premature translational stop signal (p.Val435Serfs*13) in the NAGS gene. It is expected to result in an absent or disrupted protein product. Loss-of-function variants in NAGS are known to be pathogenic (PMID: 12594532). This variant is not present in population databases (gnomAD no frequency). This variant has not been reported in the literature in individuals affected with NAGS-related conditions. For these reasons, this variant has been classified as Pathogenic.

Literature cited by the submitters: PubMed 12594532.

NM_153006.3(NAGS):c.1302del (p.Val435fs)

Gene: NAGS (N-acetylglutamate synthase; plus strand). Cytogenetic location: 17q21.31.
Variant type: Deletion.
Coding change: c.1302del on transcript NM_153006.3 (MANE Select); coding-DNA position 1302, one base deleted (C; older notation c.1302delC).
Protein change: p.Val435fs; shifts the reading frame from valine 435.
Molecular consequence: frameshift variant.
Genome position (GRCh38, 1-based): chr17:44,007,624, C deleted; the last of 3 consecutive C bases (chr17:44,007,622-44,007,624); deleting any one gives the same sequence. VCF-style (leftmost placement, unchanged base first): chr17-44007621-GC-G. GRCh37 (hg19) VCF-style: chr17-42084989-GC-G.
Other names: short protein forms V435fs.
Identifiers: ClinVar variation 2712593 (VCV002712593.3), dbSNP rs2509283811, ClinGen allele CA2697559935.